The following is an entry in ClinVar:

ClinVar aggregate classification (germline): Benign/Likely benign. Review status: criteria provided, multiple submitters, no conflicts (2 of 4 stars). 6 submissions from 6 submitters: Benign (3); Likely benign (2). 1 of the submissions does not count toward it. Last evaluated 2026-02-02.

Conditions:
KSR2-related disorder. Also called: KSR2-related condition.

Allele frequency attached by ClinVar (database versions not stated): 1000 Genomes Project 0.00459; 1000 Genomes Project 30x 0.00515; gnomAD 0.00675 and 0.00685; TOPMed 0.00759; gnomAD exomes 0.00777 and 0.00840; ExAC 0.00813; ESP Exome Variant Server 0.00913.
gnomAD v4.1: 13,289 of 1,606,216 alleles (0.83%); highest among the groups gnomAD compares: Middle Eastern, 1.3%; 79 homozygotes.

Submissions (6):

Labcorp Genetics (formerly Invitae), Labcorp
Classification: Benign. Last evaluated: 2026-02-02. Review status: criteria provided, single submitter. Criteria: Invitae Variant Classification Sherloc (09022015). Collection method: clinical testing. Allele origin: germline.

Genomic Medicine Center of Excellence, King Faisal Specialist Hospital and Research Centre
Classification: Likely benign. Last evaluated: 2025-08-18. Review status: criteria provided, single submitter. Criteria: ACMG Guidelines, 2015. Collection method: clinical testing. Allele origin: germline.

Blueprint Genetics
Classification: Benign. Last evaluated: 2024-11-27. Review status: criteria provided, single submitter. Criteria: ACMG Guidelines, 2015. Collection method: clinical testing. Allele origin: germline.

CeGaT Center for Human Genetics Tuebingen
Classification: Likely benign. Last evaluated: 2023-02-01. Review status: criteria provided, single submitter. Criteria: CeGaT Center For Human Genetics Tuebingen Variant Classification Criteria Version 2. Collection method: clinical testing. Allele origin: germline. Affected: yes. Observed: 1 variant allele.
Comment: KSR2: PP2, BS2

Breakthrough Genomics
Classification: Benign. Review status: criteria provided, single submitter. Criteria: ACMG Guidelines, 2015. Collection method: not provided. Allele origin: germline. Inheritance: Unknown mechanism. Affected: yes.

PreventionGenetics, part of Exact Sciences
Classification: Benign for KSR2-related condition. Last evaluated: 2019-06-14. Review status: no assertion criteria provided. Collection method: clinical testing. Allele origin: germline. Not counted in ClinVar's aggregate classification.
Comment: This variant is classified as benign based on ACMG/AMP sequence variant interpretation guidelines (Richards et al. 2015 PMID: 25741868, with internal and published modifications).

NM_173598.6(KSR2):c.1661G>A (p.Arg554Gln)

Gene: KSR2 (kinase suppressor of ras 2; minus strand). Cytogenetic location: 12q24.22.
Variant type: single nucleotide variant.
Coding change: c.1661G>A on transcript NM_173598.6 (MANE Select); coding-DNA position 1661, G replaced by A.
Protein change: p.Arg554Gln; replaces arginine 554 with glutamine.
Molecular consequence: missense variant.
Genome position (GRCh38, 1-based): chr12:117,539,745, C>T on the plus strand (G>A on the coding strand, the complement: KSR2 is on the minus strand). VCF-style: chr12-117539745-C-T. GRCh37 (hg19) VCF-style: chr12-117977550-C-T.
Other names: short protein forms R554Q.
Identifiers: ClinVar variation 783040 (VCV000783040.36), dbSNP rs56214831, ClinGen allele CA6815970.
Genomic context (GRCh38, chr12:117,539,745, plus strand): 5'-TGCACCCCTCATGTCTCCCCAAGCATGGAGGTACCTGGCAGGTTGAAGTTCTTCTGCTGC[C>T]GTGTGCACTGTGGGGAAGGGTGTAGGGGAGAAGGCGGCGTGGCACTAGGAGGGAGGGGGG-3'
Protein context (NP_775869.4, residues 544-564): SPLHPSPQCT[Arg554Gln]QQKNFNLPAS